The following is an entry in ClinVar:

NM_020919.4(ALS2):c.2733G>A (p.Glu911=)

Gene: ALS2 (alsin Rho guanine nucleotide exchange factor ALS2; minus strand). Cytogenetic location: 2q33.1.
Variant type: single nucleotide variant.
Coding change: c.2733G>A on transcript NM_020919.4 (MANE Select); coding-DNA position 2733, G replaced by A.
Protein change: p.Glu911=; no amino-acid change (glutamic acid 911 retained).
Molecular consequence: synonymous variant.
Genome position (GRCh38, 1-based): chr2:201,728,620, C>T on the plus strand (G>A on the coding strand, the complement: ALS2 is on the minus strand). VCF-style: chr2-201728620-C-T. GRCh37 (hg19) VCF-style: chr2-202593343-C-T.
Other names: c.2733G>A, p.Glu911= (NM_001410975.1).
Identifiers: ClinVar variation 4085027 (VCV004085027.9).

ClinVar aggregate classification (germline): Benign/Likely benign. Review status: criteria provided, multiple submitters, no conflicts (2 of 4 stars). 2 submissions from 2 submitters: Benign (1); Likely benign (1). Last evaluated 2025-08-04.

Conditions:
Infantile-onset ascending hereditary spastic paralysis (IAHSP). Also called: Infantile-Onset Ascending Hereditary Spastic Paralysis (IAHSP); Autosomal Recessive Juvenile Amyotrophic Lateral Sclerosis. Identifiers: Orphanet 293168, MedGen C2931441, MONDO:0011797, OMIM 607225. Disease mechanism: loss of function.

gnomAD v4.1: 87 of 1,614,096 alleles (0.0054%); highest among the groups gnomAD compares: South Asian, 0.083%; 1 homozygote.

Submissions (2):

Labcorp Genetics (formerly Invitae), Labcorp
Classification: Benign for Infantile-onset ascending hereditary spastic paralysis. Last evaluated: 2025-08-04. Review status: criteria provided, single submitter. Criteria: Invitae Variant Classification Sherloc (09022015). Collection method: clinical testing. Allele origin: germline.

CeGaT Center for Human Genetics Tuebingen
Classification: Likely benign. Last evaluated: 2025-08-01. Review status: criteria provided, single submitter. Criteria: CeGaT Center For Human Genetics Tuebingen Variant Classification Criteria Version 2. Collection method: clinical testing. Allele origin: germline. Affected: yes. Observed: 1 variant allele.
Comment: ALS2: BP4, BP7